The following is an entry in ClinVar:

ClinVar aggregate classification (germline): Uncertain significance (1 of 4 stars; one submission).

Allele frequency attached by ClinVar (database versions not stated): gnomAD exomes below 0.00001.
gnomAD v4.1: 4 of 1,613,790 alleles (0.00025%); highest among the groups gnomAD compares: East Asian, 0.0089%; no homozygotes.

Submission:

Labcorp Genetics (formerly Invitae), Labcorp
Classification: Uncertain significance. Last evaluated: 2021-01-04. Review status: criteria provided, single submitter. Criteria: Invitae Variant Classification Sherloc (09022015). Collection method: clinical testing. Allele origin: germline.
Comment: This variant is not present in population databases (ExAC no frequency). This sequence change replaces lysine with arginine at codon 3590 of the PCLO protein (p.Lys3590Arg). The lysine residue is moderately conserved and there is a small physicochemical difference between lysine and arginine. This variant has not been reported in the literature in individuals with PCLO-related conditions. In summary, the available evidence is currently insufficient to determine the role of this variant in disease. Therefore, it has been classified as a Variant of Uncertain Significance. Algorithms developed to predict the effect of missense changes on protein structure and function are either unavailable or do not agree on the potential impact of this missense change (SIFT: "Deleterious"; PolyPhen-2: "Not Available"; Align-GVGD: "Class C0").

NM_033026.6(PCLO):c.10769A>G (p.Lys3590Arg)

Gene: PCLO (piccolo presynaptic cytomatrix protein; minus strand). Cytogenetic location: 7q21.11.
Variant type: single nucleotide variant.
Coding change: c.10769A>G on transcript NM_033026.6 (MANE Select); coding-DNA position 10769, A replaced by G.
Protein change: p.Lys3590Arg; replaces lysine 3590 with arginine.
Molecular consequence: missense variant.
Genome position (GRCh38, 1-based): chr7:82,949,819, T>C on the plus strand (A>G on the coding strand, the complement: PCLO is on the minus strand). VCF-style: chr7-82949819-T-C. GRCh37 (hg19) VCF-style: chr7-82579135-T-C.
Other names: c.10769A>G, p.Lys3590Arg (NM_014510.3); short protein forms K3590R.
Identifiers: ClinVar variation 1490463 (VCV001490463.8), dbSNP rs1795291316, ClinGen allele CA367902223.